The following is an entry in ClinVar:

NM_030962.4(SBF2):c.4111G>A (p.Val1371Met)

Gene: SBF2 (SET binding factor 2; minus strand). Cytogenetic location: 11p15.4.
Variant type: single nucleotide variant.
Coding change: c.4111G>A on transcript NM_030962.4 (MANE Select); coding-DNA position 4111, G replaced by A.
Protein change: p.Val1371Met; replaces valine 1371 with methionine.
Molecular consequence: missense variant.
Genome position (GRCh38, 1-based): chr11:9,812,576, C>T on the plus strand (G>A on the coding strand, the complement: SBF2 is on the minus strand). VCF-style: chr11-9812576-C-T. GRCh37 (hg19) VCF-style: chr11-9834123-C-T.
Other names: c.4207G>A, p.Val1403Met (NM_001386339.1); c.3982G>A, p.Val1328Met (NM_001386342.1); short protein forms V1328M, V1371M, V1403M.
Identifiers: ClinVar variation 1367137 (VCV001367137.8), dbSNP rs149501654, ClinGen allele CA379643067.
Genomic context (GRCh38, chr11:9,812,576, plus strand): 5'-CTGCTTCAGACATTACCTGTGGGAACCACTCAGAATCTCCCAGCGCTTTCAGGAAGGTCA[C>T]TTCTGAGTCAGTAGGGATGGTGCTTGGGATACAAGCCCTCATCAGCTTCTTAAAACTGGC-3'
Protein context (NP_112224.1, residues 1361-1381): IPSTIPTDSE[Val1371Met]TFLKALGDSE

ClinVar aggregate classification (germline): Uncertain significance (1 of 4 stars; one submission).

Conditions:
Charcot-Marie-Tooth disease type 4. Also called: Charcot-Marie-Tooth, Type 4; Charcot-Marie-Tooth disease, type IV. Identifiers: Orphanet 64749, MedGen C4082197, MONDO:0018995.

gnomAD v4.1: 1 of 1,614,220 alleles (0.000062%); highest among the groups gnomAD compares: Admixed American, 0.0017%; no homozygotes.

Submission:

Labcorp Genetics (formerly Invitae), Labcorp
Classification: Uncertain significance for Charcot-Marie-Tooth disease type 4. Last evaluated: 2021-07-19. Review status: criteria provided, single submitter. Criteria: Invitae Variant Classification Sherloc (09022015). Collection method: clinical testing. Allele origin: germline.
Comment: In summary, the available evidence is currently insufficient to determine the role of this variant in disease. Therefore, it has been classified as a Variant of Uncertain Significance. Algorithms developed to predict the effect of missense changes on protein structure and function (SIFT, PolyPhen-2, Align-GVGD) all suggest that this variant is likely to be tolerated. This variant has not been reported in the literature in individuals affected with SBF2-related conditions. This variant is not present in population databases (ExAC no frequency). This sequence change replaces valine with methionine at codon 1371 of the SBF2 protein (p.Val1371Met). The valine residue is weakly conserved and there is a small physicochemical difference between valine and methionine.